The following is an entry in ClinVar:

NM_000384.3(APOB):c.4623C>G (p.Thr1541=)

Gene: APOB (apolipoprotein B; minus strand). Cytogenetic location: 2p24.1.
Variant type: single nucleotide variant.
Coding change: c.4623C>G on transcript NM_000384.3 (MANE Select); coding-DNA position 4623, C replaced by G.
Protein change: p.Thr1541=; no amino-acid change (threonine 1541 retained).
Molecular consequence: synonymous variant.
Genome position (GRCh38, 1-based): chr2:21,012,245, G>C on the plus strand (C>G on the coding strand, the complement: APOB is on the minus strand). VCF-style: chr2-21012245-G-C. GRCh37 (hg19) VCF-style: chr2-21235117-G-C.
Identifiers: ClinVar variation 4888253 (VCV004888253.1).
Genomic context (GRCh38, chr2:21,012,245, plus strand): 5'-TAGGGAAGCAGTATTTTTAATGATGCCACTTTGCAGATCAGAGGTGGAGGTGAGGGAGAG[G>C]GTTCCATCTTCATATCTTCCTGTTATCTGGTTGGTGCCTTGGAGGTAGGAGGAGTTAAAC-3'
Protein context (NP_000375.3, residues 1531-1551): NQITGRYEDG[Thr1541=]LSLTSTSDLQ

ClinVar aggregate classification (germline): Likely benign (1 of 4 stars; one submission).

Conditions:
Familial hypercholesterolemia. Also called: Familial hypercholesterolemias; Familial hypercholesterolaemia. Identifiers: MedGen C0020445, MONDO:0005439.

gnomAD v4.1: 2 of 1,611,612 alleles (0.00012%); highest among the groups gnomAD compares: Admixed American, 0.0017%; no homozygotes.

Submission:

GENinCode PLC
Classification: Likely benign for Familial hypercholesterolemia. Last evaluated: 2026-07-23. Review status: criteria provided, single submitter. Criteria: ACMG Guidelines, 2015. Collection method: clinical testing. Allele origin: germline.
Comment: This is a synonymous (silent) variant that is not predicted to impact splicing and occurs at a nucleotide which is not highly conserved. This variant has been classified as Likely Benign (BP4, BP7).